The following is an entry in ClinVar:

ClinVar aggregate classification (germline): Pathogenic. Review status: criteria provided, single submitter (1 of 4 stars). 2 submissions from 2 submitters: Pathogenic (1). 1 of the submissions does not count toward it.

Conditions:
ALG3-congenital disorder of glycosylation. Also called: CONGENITAL DISORDER OF GLYCOSYLATION, TYPE Id; CARBOHYDRATE-DEFICIENT GLYCOPROTEIN SYNDROME, TYPE IV; CDGS, TYPE IV; CDG Id; ALG3-CDG. Identifiers: Orphanet 79321, MedGen C1832736, MONDO:0010998, OMIM 601110.

Allele frequency attached by ClinVar (database versions not stated): gnomAD exomes below 0.00001; gnomAD 0.00001; TOPMed 0.00002.
gnomAD v4.1: 6 of 1,607,006 alleles (0.00037%); highest among the groups gnomAD compares: Admixed American, 0.0017%; no homozygotes.

Submissions (2):

Equipe Genetique des Anomalies du Developpement, Université de Bourgogne
Classification: Pathogenic for ALG3-congenital disorder of glycosylation. Review status: criteria provided, single submitter. Criteria: ACMG Guidelines, 2015. Collection method: research. Allele origin: maternal. Affected: yes.

University of Washington Center for Mendelian Genomics, University of Washington
Classification: Pathogenic for ALG3-congenital disorder of glycosylation. Review status: no assertion criteria provided. Collection method: research. Allele origin: inherited. Affected: yes. Not counted in ClinVar's aggregate classification.

Literature cited by the submitters: PubMed 33583022 (cited by University of Washington Center for Mendelian Genomics, University of Washington).

NM_005787.6(ALG3):c.72G>A (p.Trp24Ter)

Gene: ALG3 (ALG3 alpha-1,3- mannosyltransferase; minus strand). Cytogenetic location: 3q27.1.
Variant type: single nucleotide variant.
Coding change: c.72G>A on transcript NM_005787.6 (MANE Select); coding-DNA position 72, G replaced by A.
Protein change: p.Trp24Ter; replaces tryptophan 24 with a stop codon.
Molecular consequence: nonsense. On other transcripts: non-coding transcript variant (2), intron variant (1).
Genome position (GRCh38, 1-based): chr3:184,248,869, C>T on the plus strand (G>A on the coding strand, the complement: ALG3 is on the minus strand). VCF-style: chr3-184248869-C-T. GRCh37 (hg19) VCF-style: chr3-183966657-C-T.
Other names: c.52+357G>A (NM_001006941.2); short protein forms W24*.
Identifiers: ClinVar variation 1172674 (VCV001172674.2), dbSNP rs1023520147, ClinGen allele CA88884136.